The following is an entry in ClinVar:

ClinVar aggregate classification (germline): Uncertain significance. Review status: criteria provided, multiple submitters, no conflicts (2 of 4 stars). 4 submissions from 4 submitters: Uncertain significance (4). Last evaluated 2025-05-14.

Conditions:
Cardiovascular phenotype. Identifiers: MedGen CN230736.
Dilated cardiomyopathy 1JJ (CMD1JJ). Identifiers: Orphanet 154, MedGen C3808935, MONDO:0014095, OMIM 615235.

Allele frequency attached by ClinVar (database versions not stated): gnomAD 0.00001; TOPMed 0.00001; gnomAD exomes below 0.00001.
gnomAD v4.1: 45 of 1,613,932 alleles (0.0028%); highest among the groups gnomAD compares: Non-Finnish European, 0.0036%; no homozygotes.

Submissions (4):

Labcorp Genetics (formerly Invitae), Labcorp
Classification: Uncertain significance for Dilated cardiomyopathy 1JJ. Last evaluated: 2025-05-14. Review status: criteria provided, single submitter. Criteria: Invitae Variant Classification Sherloc (09022015). Collection method: clinical testing. Allele origin: germline.
Comment: This sequence change replaces aspartic acid, which is acidic and polar, with tyrosine, which is neutral and polar, at codon 1563 of the LAMA4 protein (p.Asp1563Tyr). This variant is present in population databases (rs199938033, gnomAD 0.0009%). This variant has not been reported in the literature in individuals affected with LAMA4-related conditions. ClinVar contains an entry for this variant (Variation ID: 191680). Invitae Evidence Modeling of protein sequence and biophysical properties (such as structural, functional, and spatial information, amino acid conservation, physicochemical variation, residue mobility, and thermodynamic stability) indicates that this missense variant is expected to disrupt LAMA4 protein function with a positive predictive value of 80%. In summary, the available evidence is currently insufficient to determine the role of this variant in disease. Therefore, it has been classified as a Variant of Uncertain Significance.

Ambry Genetics
Classification: Uncertain significance for Cardiovascular phenotype. Last evaluated: 2025-03-14. Review status: criteria provided, single submitter. Criteria: Ambry Variant Classification Scheme 2023. Collection method: clinical testing. Allele origin: germline.
Comment: The p.D1563Y variant (also known as c.4687G>T), located in coding exon 33 of the LAMA4 gene, results from a G to T substitution at nucleotide position 4687. The aspartic acid at codon 1563 is replaced by tyrosine, an amino acid with highly dissimilar properties. This amino acid position is highly conserved in available vertebrate species. In addition, this alteration is predicted to be deleterious by in silico analysis. The evidence for this gene-disease relationship is limited; therefore, the clinical significance of this alteration is unclear.

GeneDx
Classification: Uncertain significance. Last evaluated: 2015-03-03. Review status: criteria provided, single submitter. Criteria: GeneDx Variant Classification (06012015). Collection method: clinical testing. Allele origin: germline. Affected: yes.
Comment: p.Asp1563Tyr (GAT>TAT): c.4687 G>T in exon 34 of the LAMA4 gene (NM_002290.3). A variant of unknown significance has been identified in the LAMA4 gene. The D1563Y variant has not been published as a mutation, nor has it been reported as a benign polymorphism to our knowledge. The D1563Y variant was not observed in approximately 6500 individuals of European and African American ancestry in the NHLBI Exome Sequencing Project, indicating it is not a common benign variant in these populations. The D1563Y variant is a non-conservative amino acid substitution, which is likely to impact secondary protein structure as these residues differ in polarity, charge, size and/or other properties. This substitution occurs at a position that is conserved across species and in silico analysis predicts this variant is probably damaging to the protein structure/function. Therefore, based on the currently available information, it is unclear whether this variant is a pathogenic mutation or a rare benign variant. This variant was found in CARDIOMYOPATHY

Biesecker Lab/Clinical Genomics Section, National Institutes of Health
Classification: Uncertain significance. Last evaluated: 2013-06-24. Review status: criteria provided, single submitter. Criteria: Ng et al. (Circ Cardiovasc Genet. 2013). Collection method: research. Allele origin: unknown. Observed: 1 variant allele. Study: ClinSeq.
Comment: The study set was not selected for affection status in relation to any cancer. Pathogenicity categories were based on literature curation. See Pubmed ID:23861362 for details.

Medical sequencing

NM_001105206.3(LAMA4):c.4708G>T (p.Asp1570Tyr)

Gene: LAMA4 (laminin subunit alpha 4; minus strand). Cytogenetic location: 6q21.
Variant type: single nucleotide variant.
Coding change: c.4708G>T on transcript NM_001105206.3 (MANE Select); coding-DNA position 4708, G replaced by T.
Protein change: p.Asp1570Tyr; replaces aspartic acid 1570 with tyrosine.
Molecular consequence: missense variant.
Genome position (GRCh38, 1-based): chr6:112,119,269, C>A on the plus strand (G>T on the coding strand, the complement: LAMA4 is on the minus strand). VCF-style: chr6-112119269-C-A. GRCh37 (hg19) VCF-style: chr6-112440472-C-A.
Other names: p.D1563Y:GAT>TAT; c.4687G>T, p.Asp1563Tyr (NM_001105207.3, NM_002290.5); short protein forms D1563Y, D1570Y.
Identifiers: ClinVar variation 191680 (VCV000191680.13), dbSNP rs199938033, ClinGen allele CA237249.